The following is an entry in ClinVar:

ClinVar aggregate classification (germline): Uncertain significance (1 of 4 stars; one submission).

Conditions:
Developmental and epileptic encephalopathy 94 (DEE94). Also called: Epileptic encephalopathy, childhood-onset; CHD2-Related Neurodevelopmental Disorders. Identifiers: Orphanet 1942, Orphanet 2382, MedGen C3809278, MONDO:0014150, OMIM 615369.

Submission:

3billion
Classification: Uncertain significance for Developmental and epileptic encephalopathy 94. Last evaluated: 2026-01-26. Review status: criteria provided, single submitter. Criteria: ACMG Guidelines, 2015. Collection method: clinical testing. Allele origin: germline. Affected: yes.
Comment: The variant is not observed in the gnomAD v4.1.0 dataset. Predicted Consequence/Location: Frameshift: predicted to result in a loss or disruption of normal protein function through protein truncation. The predicted truncated protein may be shortened by less than 10%. Therefore, this variant is classified as VUS according to the recommendation of ACMG/AMP guideline.

NM_001271.4(CHD2):c.5260del (p.His1754fs)

Gene: CHD2 (chromodomain helicase DNA binding protein 2; plus strand). Cytogenetic location: 15q26.1.
Variant type: Deletion.
Coding change: c.5260del on transcript NM_001271.4 (MANE Select); coding-DNA position 5260, one base deleted (C; older notation c.5260delC).
Protein change: p.His1754fs; shifts the reading frame from histidine 1754.
Molecular consequence: frameshift variant.
Genome position (GRCh38, 1-based): chr15:93,024,478, C deleted; the last of 2 consecutive C bases (chr15:93,024,477-93,024,478); deleting either gives the same sequence. VCF-style (leftmost placement, unchanged base first): chr15-93024476-AC-A. GRCh37 (hg19) VCF-style: chr15-93567706-AC-A.
Other names: short protein forms H1754fs.
Identifiers: ClinVar variation 4855354 (VCV004855354.1).